The following is an entry in ClinVar:

ClinVar aggregate classification (germline): Uncertain significance (1 of 4 stars; one submission).

Allele frequency attached by ClinVar (database versions not stated): 1000 Genomes Project 30x 0.00021; TOPMed below 0.00001; gnomAD 0.00002; gnomAD exomes 0.00001.

Submission:

Labcorp Genetics (formerly Invitae), Labcorp
Classification: Uncertain significance. Last evaluated: 2025-11-27. Review status: criteria provided, single submitter. Criteria: Invitae Variant Classification Sherloc (09022015). Collection method: clinical testing. Allele origin: germline.
Comment: This sequence change replaces glycine, which is neutral and non-polar, with glutamic acid, which is acidic and polar, at codon 396 of the CFP protein (p.Gly396Glu). This variant is not present in population databases (gnomAD no frequency). This variant has not been reported in the literature in individuals affected with CFP-related conditions. ClinVar contains an entry for this variant (Variation ID: 3015459). Invitae Evidence Modeling of protein sequence and biophysical properties (such as structural, functional, and spatial information, amino acid conservation, physicochemical variation, residue mobility, and thermodynamic stability) indicates that this missense variant is not expected to disrupt CFP protein function with a negative predictive value of 80%. In summary, the available evidence is currently insufficient to determine the role of this variant in disease. Therefore, it has been classified as a Variant of Uncertain Significance.

NM_001145252.3(CFP):c.1187G>A (p.Gly396Glu)

Gene: CFP (complement factor properdin; minus strand). Cytogenetic location: Xp11.23.
Variant type: single nucleotide variant.
Coding change: c.1187G>A on transcript NM_001145252.3 (MANE Select); coding-DNA position 1187, G replaced by A.
Protein change: p.Gly396Glu; replaces glycine 396 with glutamic acid.
Molecular consequence: missense variant.
Genome position (GRCh38, 1-based): chrX:47,626,115, C>T on the plus strand (G>A on the coding strand, the complement: CFP is on the minus strand). VCF-style: chrX-47626115-C-T. GRCh37 (hg19) VCF-style: chrX-47485514-C-T.
Other names: c.1187G>A, p.Gly396Glu (NM_002621.2); short protein forms G396E.
Identifiers: ClinVar variation 3015459 (VCV003015459.3), dbSNP rs1167161113, ClinGen allele CA412834793.